The following is an entry in ClinVar:

NM_000141.5(FGFR2):c.2342C>G (p.Pro781Arg)

Gene: FGFR2 (fibroblast growth factor receptor 2; minus strand). Cytogenetic location: 10q26.13.
Variant type: single nucleotide variant.
Coding change: c.2342C>G on transcript NM_000141.5 (MANE Select); coding-DNA position 2342, C replaced by G.
Protein change: p.Pro781Arg; replaces proline 781 with arginine.
Molecular consequence: missense variant. On other transcripts: non-coding transcript variant (1), intron variant (1).
Genome position (GRCh38, 1-based): chr10:121,479,981, G>C on the plus strand (C>G on the coding strand, the complement: FGFR2 is on the minus strand). VCF-style: chr10-121479981-G-C. GRCh37 (hg19) VCF-style: chr10-123239495-G-C.
Other names: c.2006C>G, p.Pro669Arg (NM_001144914.1); c.1997C>G, p.Pro666Arg (NM_001144916.2); c.1994C>G, p.Pro665Arg (NM_001144917.2); c.1991C>G, p.Pro664Arg (NM_001144918.2); c.1658C>G, p.Pro553Arg (NM_001320654.2); c.2336C>G, p.Pro779Arg (NM_001320658.2); c.2345C>G, p.Pro782Arg (NM_022970.4); c.2075C>G, p.Pro692Arg (NM_023029.3); and 1 more; short protein forms P553R, P664R, P665R, P666R, P669R, P692R, P779R, P781R.
Identifiers: ClinVar variation 3368991 (VCV003368991.1).

ClinVar aggregate classification (germline): Uncertain significance (1 of 4 stars; one submission).

Submission:

GeneDx
Classification: Uncertain significance. Last evaluated: 2024-02-13. Review status: criteria provided, single submitter. Criteria: GeneDx Variant Classification Process June 2021. Collection method: clinical testing. Allele origin: germline. Affected: yes.
Comment: Not observed at significant frequency in large population cohorts (gnomAD); In silico analysis supports that this missense variant has a deleterious effect on protein structure/function; Has not been previously published as pathogenic or benign to our knowledge